The following is an entry in ClinVar:

NM_005996.4(TBX3):c.1657G>C (p.Ala553Pro)

Gene: TBX3 (T-box transcription factor 3; minus strand). Cytogenetic location: 12q24.21.
Variant type: single nucleotide variant.
Coding change: c.1657G>C on transcript NM_005996.4 (MANE Select); coding-DNA position 1657, G replaced by C.
Protein change: p.Ala553Pro; replaces alanine 553 with proline.
Molecular consequence: missense variant.
Genome position (GRCh38, 1-based): chr12:114,674,218, C>G on the plus strand (G>C on the coding strand, the complement: TBX3 is on the minus strand). VCF-style: chr12-114674218-C-G. GRCh37 (hg19) VCF-style: chr12-115112023-C-G.
Other names: c.1717G>C (NM_016569.3); c.1717G>C, p.Ala573Pro (NM_016569.4); short protein forms A573P, A553P.
Identifiers: ClinVar variation 2728638 (VCV002728638.4), dbSNP rs1479267403, ClinGen allele CA386868497.

ClinVar aggregate classification (germline): Uncertain significance. Review status: criteria provided, multiple submitters, no conflicts (2 of 4 stars). 2 submissions from 2 submitters: Uncertain significance (2). Last evaluated 2025-04-16.

Conditions:
TBX3-related disorder. Also called: TBX3-related condition.
Ulnar-mammary syndrome (UMS). Also called: SCHINZEL SYNDROME; Ulnar-mammary syndrome of Pallister; PALLISTER ULNAR-MAMMARY SYNDROME. Identifiers: Orphanet 3138, MedGen C1866994, MONDO:0008411, OMIM 181450.

Allele frequency attached by ClinVar (database versions not stated): gnomAD 0.00001; TOPMed 0.00001.
gnomAD v4.1: 2 of 1,578,598 alleles (0.00013%); highest among the groups gnomAD compares: African/African-American, 0.0027%; no homozygotes.

Submissions (2):

PreventionGenetics, part of Exact Sciences
Classification: Uncertain significance for TBX3-related condition. Last evaluated: 2025-04-16. Review status: criteria provided, single submitter. Criteria: ACMG Guidelines, 2015. Collection method: clinical testing. Allele origin: germline.
Comment: The TBX3 c.1717G>C variant is predicted to result in the amino acid substitution p.Ala573Pro. To our knowledge, this variant has not been reported in the literature or in a large population database (gnomAD), indicating this variant is rare. At this time, the clinical significance of this variant is uncertain due to the absence of conclusive functional and genetic evidence.

Labcorp Genetics (formerly Invitae), Labcorp
Classification: Uncertain significance for Ulnar-mammary syndrome. Last evaluated: 2023-10-28. Review status: criteria provided, single submitter. Criteria: Invitae Variant Classification Sherloc (09022015). Collection method: clinical testing. Allele origin: germline.
Comment: This sequence change replaces alanine, which is neutral and non-polar, with proline, which is neutral and non-polar, at codon 553 of the TBX3 protein (p.Ala553Pro). This variant is not present in population databases (gnomAD no frequency). This variant has not been reported in the literature in individuals affected with TBX3-related conditions. An algorithm developed to predict the effect of missense changes on protein structure and function (PolyPhen-2) suggests that this variant is likely to be tolerated. In summary, the available evidence is currently insufficient to determine the role of this variant in disease. Therefore, it has been classified as a Variant of Uncertain Significance.